The following is an entry in ClinVar:

ClinVar aggregate classification (germline): Uncertain significance (1 of 4 stars; one submission).

Allele frequency attached by ClinVar (database versions not stated): gnomAD 0.00001; gnomAD exomes 0.00001.
gnomAD v4.1: 11 of 1,614,064 alleles (0.00068%); highest among the groups gnomAD compares: African/African-American, 0.0013%; no homozygotes.

Submission:

Labcorp Genetics (formerly Invitae), Labcorp
Classification: Uncertain significance. Last evaluated: 2022-08-16. Review status: criteria provided, single submitter. Criteria: Invitae Variant Classification Sherloc (09022015). Collection method: clinical testing. Allele origin: germline.
Comment: In summary, the available evidence is currently insufficient to determine the role of this variant in disease. Therefore, it has been classified as a Variant of Uncertain Significance. Algorithms developed to predict the effect of missense changes on protein structure and function are either unavailable or do not agree on the potential impact of this missense change (SIFT: "Deleterious"; PolyPhen-2: "Possibly Damaging"; Align-GVGD: "Class C0"). This variant has not been reported in the literature in individuals affected with KMT2C-related conditions. This variant is not present in population databases (gnomAD no frequency). This sequence change replaces proline, which is neutral and non-polar, with alanine, which is neutral and non-polar, at codon 3759 of the KMT2C protein (p.Pro3759Ala).

NM_170606.3(KMT2C):c.11275C>G (p.Pro3759Ala)

Gene: KMT2C (lysine methyltransferase 2C; minus strand). Cytogenetic location: 7q36.1.
Variant type: single nucleotide variant.
Coding change: c.11275C>G on transcript NM_170606.3 (MANE Select); coding-DNA position 11275, C replaced by G.
Protein change: p.Pro3759Ala; replaces proline 3759 with alanine.
Molecular consequence: missense variant.
Genome position (GRCh38, 1-based): chr7:152,162,302, G>C on the plus strand (C>G on the coding strand, the complement: KMT2C is on the minus strand). VCF-style: chr7-152162302-G-C. GRCh37 (hg19) VCF-style: chr7-151859387-G-C.
Other names: short protein forms P3759A.
Identifiers: ClinVar variation 1960062 (VCV001960062.5), dbSNP rs1563197328, ClinGen allele CA370101048.